The following is an entry in ClinVar:

NM_018010.4(IFT57):c.777+8A>G

Gene: IFT57 (intraflagellar transport 57; minus strand). Cytogenetic location: 3q13.12.
Variant type: single nucleotide variant.
Coding change: c.777+8A>G on transcript NM_018010.4 (MANE Select); 8 bases into the intron after coding-DNA position 777, A replaced by G.
Molecular consequence: intron variant.
Genome position (GRCh38, 1-based): chr3:108,191,513, T>C on the plus strand (A>G on the coding strand, the complement: IFT57 is on the minus strand). VCF-style: chr3-108191513-T-C. GRCh37 (hg19) VCF-style: chr3-107910360-T-C.
Identifiers: ClinVar variation 2985930 (VCV002985930.3), dbSNP rs372553451, ClinGen allele CA2526598.

ClinVar aggregate classification (germline): Uncertain significance (1 of 4 stars; one submission).

Allele frequency attached by ClinVar (database versions not stated): ExAC 0.00003; gnomAD 0.00003; TOPMed 0.00003; gnomAD exomes 0.00004; ESP Exome Variant Server 0.00008.
gnomAD v4.1: 64 of 1,558,618 alleles (0.0041%); highest among the groups gnomAD compares: Non-Finnish European, 0.0054%; no homozygotes.

Submission:

Labcorp Genetics (formerly Invitae), Labcorp
Classification: Uncertain significance. Last evaluated: 2024-02-25. Review status: criteria provided, single submitter. Criteria: Invitae Variant Classification Sherloc (09022015). Collection method: clinical testing. Allele origin: germline.
Comment: This sequence change falls in intron 6 of the IFT57 gene. It does not directly change the encoded amino acid sequence of the IFT57 protein. This variant is present in population databases (rs372553451, gnomAD 0.009%). This variant has not been reported in the literature in individuals affected with IFT57-related conditions. Algorithms developed to predict the effect of sequence changes on RNA splicing suggest that this variant may disrupt the consensus splice site. In summary, the available evidence is currently insufficient to determine the role of this variant in disease. Therefore, it has been classified as a Variant of Uncertain Significance.